The following is an entry in ClinVar:

ClinVar aggregate classification (germline): Pathogenic (1 of 4 stars; one submission).

Conditions:
Neuromuscular disease caused by qualitative or quantitative defects of dysferlin. Also called: Qualitative or quantitative defects of dysferlin; Dysferlinopathy. Identifiers: Orphanet 207073, MedGen C2931687, MONDO:0016145.

gnomAD v4.1: 2 of 1,614,236 alleles (0.00012%); highest among the groups gnomAD compares: Non-Finnish European, 0.00017%; no homozygotes.

Submission:

Labcorp Genetics (formerly Invitae), Labcorp
Classification: Pathogenic for Neuromuscular disease caused by qualitative or quantitative defects of dysferlin. Last evaluated: 2022-08-16. Review status: criteria provided, single submitter. Criteria: Invitae Variant Classification Sherloc (09022015). Collection method: clinical testing. Allele origin: germline.
Comment: This variant has not been reported in the literature in individuals affected with DYSF-related conditions. This variant is not present in population databases (gnomAD no frequency). This sequence change creates a premature translational stop signal (p.Ser191*) in the DYSF gene. It is expected to result in an absent or disrupted protein product. Loss-of-function variants in DYSF are known to be pathogenic (PMID: 17698709, 20301480). ClinVar contains an entry for this variant (Variation ID: 1456224). For these reasons, this variant has been classified as Pathogenic.

Literature cited by the submitters: PubMed 17698709; PubMed 20301480.

NM_001130987.2(DYSF):c.668C>A (p.Ser223Ter)

Gene: DYSF (dysferlin; plus strand). Cytogenetic location: 2p13.2.
Variant type: single nucleotide variant.
Coding change: c.668C>A on transcript NM_001130987.2 (MANE Select); coding-DNA position 668, C replaced by A.
Protein change: p.Ser223Ter; replaces serine 223 with a stop codon.
Molecular consequence: nonsense.
Genome position (GRCh38, 1-based): chr2:71,513,830, C>A. VCF-style: chr2-71513830-C-A. GRCh37 (hg19) VCF-style: chr2-71740960-C-A.
Other names: c.575C>A, p.Ser192Ter (NM_001130455.2, NM_001130983.2, NM_001130984.2 and 1 more transcripts); c.572C>A, p.Ser191Ter (NM_001130976.2, NM_001130977.2, NM_001130978.2 and 1 more transcripts); c.665C>A, p.Ser222Ter (NM_001130979.2, NM_001130980.2, NM_001130981.2); c.668C>A, p.Ser223Ter (NM_001130982.2, NM_001130985.2); short protein forms S191*, S192*, S222*, S223*.
Identifiers: ClinVar variation 1456224 (VCV001456224.6), dbSNP rs2152731856, ClinGen allele CA347207253.